The following is an entry in ClinVar:

ClinVar aggregate classification (germline): Uncertain significance (1 of 4 stars; one submission).

Submission:

Labcorp Genetics (formerly Invitae), Labcorp
Classification: Uncertain significance. Last evaluated: 2025-05-31. Review status: criteria provided, single submitter. Criteria: Invitae Variant Classification Sherloc (09022015). Collection method: clinical testing. Allele origin: germline.
Comment: This sequence change replaces glycine, which is neutral and non-polar, with glutamic acid, which is acidic and polar, at codon 14 of the MRPS16 protein (p.Gly14Glu). This variant is not present in population databases (gnomAD no frequency). This variant has not been reported in the literature in individuals affected with MRPS16-related conditions. An algorithm developed to predict the effect of missense changes on protein structure and function (PolyPhen-2) suggests that this variant is likely to be disruptive. In summary, the available evidence is currently insufficient to determine the role of this variant in disease. Therefore, it has been classified as a Variant of Uncertain Significance.

NM_016065.4(MRPS16):c.41G>A (p.Gly14Glu)

Genes: DNAJC9-AS1 (DNAJC9 and MRPS16 antisense RNA 1; plus strand), MRPS16 (mitochondrial ribosomal protein S16; minus strand). Cytogenetic location: 10q22.2.
Variant type: single nucleotide variant.
Coding change: c.41G>A on transcript NM_016065.4 (MANE Select); coding-DNA position 41, G replaced by A.
Protein change: p.Gly14Glu; replaces glycine 14 with glutamic acid.
Molecular consequence: missense variant.
Genome position (GRCh38, 1-based): chr10:73,251,996, C>T on the plus strand (G>A on the coding strand, the complement: MRPS16 is on the minus strand). VCF-style: chr10-73251996-C-T. GRCh37 (hg19) VCF-style: chr10-75011754-C-T.
Other names: c.41G>A, p.Gly14Glu (NM_001410935.1); short protein forms G14E.
Identifiers: ClinVar variation 4700179 (VCV004700179.1).